The following is an entry in ClinVar:

ClinVar aggregate classification (germline): Uncertain significance (1 of 4 stars; one submission).

Conditions:
Glycogen storage disease, type V (GSD5). Also called: McArdle type glycogen storage disease; MCARDLE DISEASE; MUSCLE GLYCOGEN PHOSPHORYLASE DEFICIENCY; MYOPHOSPHORYLASE DEFICIENCY; PYGM DEFICIENCY. Identifiers: Orphanet 368, MedGen C0017924, MONDO:0009293, OMIM 232600.

Submission:

Labcorp Genetics (formerly Invitae), Labcorp
Classification: Uncertain significance for Glycogen storage disease, type V. Last evaluated: 2022-03-04. Review status: criteria provided, single submitter. Criteria: Invitae Variant Classification Sherloc (09022015). Collection method: clinical testing. Allele origin: germline.
Comment: This sequence change replaces asparagine, which is neutral and polar, with isoleucine, which is neutral and non-polar, at codon 326 of the PYGM protein (p.Asn326Ile). This variant is not present in population databases (gnomAD no frequency). This variant has not been reported in the literature in individuals affected with PYGM-related conditions. Algorithms developed to predict the effect of missense changes on protein structure and function are either unavailable or do not agree on the potential impact of this missense change (SIFT: "Not Available"; PolyPhen-2: "Benign"; Align-GVGD: "Not Available"). In summary, the available evidence is currently insufficient to determine the role of this variant in disease. Therefore, it has been classified as a Variant of Uncertain Significance.

NM_005609.4(PYGM):c.977A>T (p.Asn326Ile)

Gene: PYGM (glycogen phosphorylase, muscle associated; minus strand). Cytogenetic location: 11q13.1.
Variant type: single nucleotide variant.
Coding change: c.977A>T on transcript NM_005609.4 (MANE Select); coding-DNA position 977, A replaced by T.
Protein change: p.Asn326Ile; replaces asparagine 326 with isoleucine.
Molecular consequence: missense variant.
Genome position (GRCh38, 1-based): chr11:64,754,715, T>A on the plus strand (A>T on the coding strand, the complement: PYGM is on the minus strand). VCF-style: chr11-64754715-T-A. GRCh37 (hg19) VCF-style: chr11-64522187-T-A.
Other names: c.713A>T, p.Asn238Ile (NM_001164716.1); short protein forms N326I, N238I.
Identifiers: ClinVar variation 1971765 (VCV001971765.2), dbSNP rs2135835320, ClinGen allele CA381178524.